The following is an entry in ClinVar:

ClinVar aggregate classification (germline): Benign (1 of 4 stars; one submission).

Submission:

Women's Health and Genetics/Laboratory Corporation of America, LabCorp
Classification: Benign. Last evaluated: 2022-02-22. Review status: criteria provided, single submitter. Criteria: LabCorp Variant Classification Summary - May 2015. Collection method: clinical testing. Allele origin: germline.
Comment: Variant summary: GALT c.-843_-837dupTTTTTTT is located in the untranscribed region upstream of the GALT gene region. The variant allele was found at a frequency of 0.00079 in 124530 control chromosomes in the gnomAD database (v3.1.2 dataset), including 4 homozygotes. The variant is predominantly found within the South Asian subpopulation at a frequency of 0.011. The observed variant frequency within South Asian control individuals in the gnomAD database is approximately 4-fold of the estimated maximal expected allele frequency for a pathogenic variant in GALT causing Galactosemia phenotype (0.0029), strongly suggesting that the variant is a benign polymorphism. To our knowledge, no occurrence of c.-843_-837dupTTTTTTT in individuals affected with Galactosemia and no experimental evidence demonstrating its impact on protein function have been reported. No clinical diagnostic laboratories have submitted clinical-significance assessments for this variant to ClinVar after 2014. Based on the evidence outlined above, the variant was classified as benign.

NM_000155.3(GALT):c.-843_-837dupTTTTTTT

Gene: GALT (galactose-1-phosphate uridylyltransferase; plus strand). Cytogenetic location: 9p13.3.
Variant type: Duplication.
Coding change: c.-843_-837dupTTTTTTT on transcript NM_000155.3; 843 bases upstream of the start codon through 837 bases upstream of the start codon, 7 bases duplicated (TTTTTTT).
Genome position (GRCh38, 1-based): chr9:34,645,862-34,645,868, TTTTTTT duplicated; duplicating any 7 consecutive bases within chr9:34,645,849-34,645,868 gives the same sequence; the c. name uses the placement nearest the transcript's 3' end. VCF-style (leftmost placement, unchanged base first): chr9-34645848-A-ATTTTTTT. GRCh37 (hg19) VCF-style: chr9-34645845-A-ATTTTTTT.
Identifiers: ClinVar variation 1343439 (VCV001343439.3), dbSNP rs549043849, ClinGen allele CA863493365.